The following is an entry in ClinVar:

NM_001354601.3(IVD):c.1241T>A (p.Ile414Asn)

Gene: IVD (isovaleryl-CoA dehydrogenase; plus strand). Cytogenetic location: 15q15.1.
Variant type: single nucleotide variant.
Coding change: c.1241T>A on transcript NM_001354601.3; coding-DNA position 1241, T replaced by A.
Protein change: p.Ile414Asn; replaces isoleucine 414 with asparagine.
Molecular consequence: missense variant. On other transcripts: non-coding transcript variant (1).
Genome position (GRCh38, 1-based): chr15:40,435,519, T>A. VCF-style: chr15-40435519-T-A. GRCh37 (hg19) VCF-style: chr15-40727718-T-A.
Other names: c.1323T>A, p.Asp441Glu (NM_001354598.3); c.1410T>A, p.Asp470Glu (NM_001354600.3); short protein forms D441E, D470E, I414N.
Identifiers: ClinVar variation 3034093 (VCV003034093.2), dbSNP rs150768874, ClinGen allele CA7480962.

ClinVar aggregate classification (germline): Benign (0 of 4 stars; one submission).

Conditions:
IVD-related disorder. Also called: IVD-related condition.

Allele frequency attached by ClinVar (database versions not stated): gnomAD 0.00076; TOPMed 0.00087; ExAC 0.00014; 1000 Genomes Project 0.00359; gnomAD exomes 0.00015; 1000 Genomes Project 30x 0.00359.
gnomAD v4.1: 310 of 1,243,356 alleles (0.025%); highest among the groups gnomAD compares: East Asian, 1.6%; 1 homozygote.

Submission:

PreventionGenetics, part of Exact Sciences
Classification: Benign for IVD-related condition. Last evaluated: 2019-06-18. Review status: no assertion criteria provided. Collection method: clinical testing. Allele origin: germline.
Comment: This variant is classified as benign based on ACMG/AMP sequence variant interpretation guidelines (Richards et al. 2015 PMID: 25741868, with internal and published modifications).